The following is an entry in ClinVar:

NM_000321.3(RB1):c.2059A>G (p.Thr687Ala)

Gene: RB1 (RB transcriptional corepressor 1; plus strand). Cytogenetic location: 13q14.2.
Variant type: single nucleotide variant.
Coding change: c.2059A>G on transcript NM_000321.3 (MANE Select); coding-DNA position 2059, A replaced by G.
Protein change: p.Thr687Ala; replaces threonine 687 with alanine.
Molecular consequence: missense variant.
Genome position (GRCh38, 1-based): chr13:48,459,786, A>G. VCF-style: chr13-48459786-A-G. GRCh37 (hg19) VCF-style: chr13-49033922-A-G.
Other names: c.2059A>G, p.Thr687Ala (NM_001407165.1); short protein forms T687A.
Identifiers: ClinVar variation 2678288 (VCV002678288.2), dbSNP rs2138336284, ClinGen allele CA388166868.

ClinVar aggregate classification (germline): Uncertain significance. Review status: criteria provided, multiple submitters, no conflicts (2 of 4 stars). 2 submissions from 2 submitters: Uncertain significance (2). Last evaluated 2026-05-14.

Conditions:
Malignant tumor of urinary bladder. Also called: Urinary Bladder Neoplasms; Bladder cancer; Urinary bladder cancer. Identifiers: MedGen C0005684, MONDO:0001187, OMIM 109800.
Hereditary cancer-predisposing syndrome. Also called: Tumor predisposition; Hereditary neoplastic syndrome; Neoplastic Syndromes, Hereditary; Hereditary Cancer Syndrome. Identifiers: Orphanet 140162, MedGen C0027672, MeSH D009386, MONDO:0015356.

Submissions (2):

Ambry Genetics
Classification: Uncertain significance for Hereditary cancer-predisposing syndrome. Last evaluated: 2026-05-14. Review status: criteria provided, single submitter. Criteria: Ambry Variant Classification Scheme 2023. Collection method: clinical testing. Allele origin: germline.
Comment: The p.T687A variant (also known as c.2059A>G), located in coding exon 20 of the RB1 gene, results from an A to G substitution at nucleotide position 2059. The threonine at codon 687 is replaced by alanine, an amino acid with similar properties. This amino acid position is conserved. In addition, this alteration is predicted to be deleterious by in silico analysis. Based on the available evidence, the clinical significance of this variant remains unclear.

Baylor Genetics
Classification: Uncertain significance for Malignant tumor of urinary bladder. Last evaluated: 2023-06-13. Review status: criteria provided, single submitter. Criteria: ACMG Guidelines, 2015. Collection method: clinical testing. Allele origin: unknown.